The following is an entry in ClinVar:

NM_000152.5(GAA):c.2555A>G (p.Glu852Gly)

Gene: GAA (alpha glucosidase; plus strand). Cytogenetic location: 17q25.3.
Variant type: single nucleotide variant.
Coding change: c.2555A>G on transcript NM_000152.5 (MANE Select); coding-DNA position 2555, A replaced by G.
Protein change: p.Glu852Gly; replaces glutamic acid 852 with glycine.
Molecular consequence: missense variant.
Genome position (GRCh38, 1-based): chr17:80,118,266, A>G. VCF-style: chr17-80118266-A-G. GRCh37 (hg19) VCF-style: chr17-78092065-A-G.
Other names: c.2555A>G, p.Glu852Gly (NM_001079803.3, NM_001079804.3); short protein forms E852G.
Identifiers: ClinVar variation 938244 (VCV000938244.10), dbSNP rs2039404008, ClinGen allele CA401326171.

ClinVar aggregate classification (germline): Uncertain significance (1 of 4 stars; one submission).

Conditions:
Glycogen storage disease, type II (IOPD). Also called: Pompe Disease; Glycogen storage disease type 2; Acid maltase deficiency disease; Aglucosidase alfa; Deficiency of alpha-glucosidase; Deficiency of lysosomal alpha-glucosidase. Identifiers: Orphanet 365, MedGen C0017921, MONDO:0009290, OMIM 232300.

Submission:

Labcorp Genetics (formerly Invitae), Labcorp
Classification: Uncertain significance for Glycogen storage disease, type II. Last evaluated: 2023-10-17. Review status: criteria provided, single submitter. Criteria: Invitae Variant Classification Sherloc (09022015). Collection method: clinical testing. Allele origin: germline.
Comment: This sequence change replaces glutamic acid, which is acidic and polar, with glycine, which is neutral and non-polar, at codon 852 of the GAA protein (p.Glu852Gly). This variant is not present in population databases (gnomAD no frequency). This variant has not been reported in the literature in individuals affected with GAA-related conditions. ClinVar contains an entry for this variant (Variation ID: 938244). Advanced modeling of protein sequence and biophysical properties (such as structural, functional, and spatial information, amino acid conservation, physicochemical variation, residue mobility, and thermodynamic stability) performed at Invitae indicates that this missense variant is not expected to disrupt GAA protein function. In summary, the available evidence is currently insufficient to determine the role of this variant in disease. Therefore, it has been classified as a Variant of Uncertain Significance.